The following is an entry in ClinVar:

NM_004863.4(SPTLC2):c.24C>T (p.Cys8=)

Gene: SPTLC2 (serine palmitoyltransferase long chain base subunit 2; minus strand). Cytogenetic location: 14q24.3.
Variant type: single nucleotide variant.
Coding change: c.24C>T on transcript NM_004863.4 (MANE Select); coding-DNA position 24, C replaced by T.
Protein change: p.Cys8=; no amino-acid change (cysteine 8 retained).
Molecular consequence: synonymous variant.
Genome position (GRCh38, 1-based): chr14:77,616,556, G>A on the plus strand (C>T on the coding strand, the complement: SPTLC2 is on the minus strand). VCF-style: chr14-77616556-G-A. GRCh37 (hg19) VCF-style: chr14-78082899-G-A.
Identifiers: ClinVar variation 3375361 (VCV003375361.1).

ClinVar aggregate classification (germline): Likely benign (1 of 4 stars; one submission).

gnomAD v4.1: 2 of 1,537,056 alleles (0.00013%); highest among the groups gnomAD compares: Non-Finnish European, 0.00017%; no homozygotes.

Submission:

Women's Health and Genetics/Laboratory Corporation of America, LabCorp
Classification: Likely benign. Last evaluated: 2024-09-19. Review status: criteria provided, single submitter. Criteria: LabCorp Variant Classification Summary - May 2015. Collection method: clinical testing. Allele origin: germline.
Comment: Variant summary: SPTLC2 c.24C>T alters a conserved nucleotide resulting in a synonymous change. Consensus agreement among computation tools predict no significant impact on normal splicing. However, these predictions have yet to be confirmed by functional studies. The variant allele was found at a frequency of 7.5e-06 in 132724 control chromosomes. The available data on variant occurrences in the general population are insufficient to allow any conclusion about variant significance. To our knowledge, no occurrence of c.24C>T in individuals affected with Neuropathy, hereditary sensory and autonomic, type 1C and no experimental evidence demonstrating its impact on protein function have been reported. No submitters have cited clinical-significance assessments for this variant to ClinVar. Based on the evidence outlined above, the variant was classified as likely benign.